The following is an entry in ClinVar:

ClinVar aggregate classification (germline): Uncertain significance (1 of 4 stars; one submission).

Conditions:
Early-infantile DEE. Also called: Early infantile epileptic encephalopathy with suppression bursts; Early infantile epileptic encephalopathy; Ohtahara syndrome. Identifiers: Orphanet 1934, MedGen C0393706, MONDO:0800491.

Allele frequency attached by ClinVar (database versions not stated): ExAC 0.00001; gnomAD 0.00001.
gnomAD v4.1: 3 of 1,613,748 alleles (0.00019%); highest among the groups gnomAD compares: Admixed American, 0.0033%; no homozygotes.

Submission:

Labcorp Genetics (formerly Invitae), Labcorp
Classification: Uncertain significance for Early-infantile DEE. Last evaluated: 2025-04-08. Review status: criteria provided, single submitter. Criteria: Invitae Variant Classification Sherloc (09022015). Collection method: clinical testing. Allele origin: germline.
Comment: This sequence change replaces valine, which is neutral and non-polar, with isoleucine, which is neutral and non-polar, at codon 381 of the HCN1 protein (p.Val381Ile). This variant is present in population databases (rs750838439, gnomAD 0.003%). This missense change has been observed in individual(s) with epilepsy (PMID: 31069529). ClinVar contains an entry for this variant (Variation ID: 574550). Invitae Evidence Modeling of protein sequence and biophysical properties (such as structural, functional, and spatial information, amino acid conservation, physicochemical variation, residue mobility, and thermodynamic stability) indicates that this missense variant is not expected to disrupt HCN1 protein function with a negative predictive value of 95%. In summary, the available evidence is currently insufficient to determine the role of this variant in disease. Therefore, it has been classified as a Variant of Uncertain Significance.

Literature cited by the submitters: PubMed 31069529.

NM_021072.4(HCN1):c.1141G>A (p.Val381Ile)

Gene: HCN1 (hyperpolarization activated cyclic nucleotide gated potassium channel 1; minus strand). Cytogenetic location: 5p12.
Variant type: single nucleotide variant.
Coding change: c.1141G>A on transcript NM_021072.4 (MANE Select); coding-DNA position 1141, G replaced by A.
Protein change: p.Val381Ile; replaces valine 381 with isoleucine.
Molecular consequence: missense variant.
Genome position (GRCh38, 1-based): chr5:45,396,581, C>T on the plus strand (G>A on the coding strand, the complement: HCN1 is on the minus strand). VCF-style: chr5-45396581-C-T. GRCh37 (hg19) VCF-style: chr5-45396683-C-T.
Other names: short protein forms V381I.
Identifiers: ClinVar variation 574550 (VCV000574550.9), dbSNP rs750838439, ClinGen allele CA3259359.